The following is an entry in ClinVar:

ClinVar aggregate classification (germline): Uncertain significance (1 of 4 stars; one submission).

Conditions:
Primary dilated cardiomyopathy (DCM). Also called: Dilated Cardiomyopathy. Identifiers: Orphanet 217604, MedGen C0007193, MeSH D002311, MONDO:0005021, HP:0001644. Inheritance: Various modes of inheritance.

Submission:

Diagnostics Services (NGS), CSIR - Centre For Cellular And Molecular Biology
Classification: Uncertain significance for Primary dilated cardiomyopathy. Last evaluated: 2022-08-10. Review status: criteria provided, single submitter. Criteria: ACMG Guidelines, 2015. Collection method: clinical testing. Allele origin: unknown. Affected: yes. Observed: 1 variant allele, 1 heterozygote.
Comment: The c.6517G>A variant is not present in publicly available population databases like 1000 Genomes, Exome Variant Server (EVS), Exome Aggregation Consortium (ExAC), Genome Aggregation Database (gnomAD) and Indian Exome Database. The variant is not present in our in-house exome database. This variant has not been previously reported in literature or to any clinical databases like ClinVar, Human Genome Mutation Database (HGMD) and OMIM databases, in any affected individuals. In-silico pathogenicity prediction programs like Polyphen-2, MutationTaster2, CADD etc. predicted this variant to be likely deleterious, however these predictions were not confirmed by any published functional studies.

NM_001035.3(RYR2):c.6517G>A (p.Glu2173Lys)

Gene: RYR2 (ryanodine receptor 2; plus strand). Cytogenetic location: 1q43.
Variant type: single nucleotide variant.
Coding change: c.6517G>A on transcript NM_001035.3 (MANE Select); coding-DNA position 6517, G replaced by A.
Protein change: p.Glu2173Lys; replaces glutamic acid 2173 with lysine.
Molecular consequence: missense variant.
Genome position (GRCh38, 1-based): chr1:237,631,503, G>A. VCF-style: chr1-237631503-G-A. GRCh37 (hg19) VCF-style: chr1-237794803-G-A.
Other names: short protein forms E2173K.
Identifiers: ClinVar variation 1802222 (VCV001802222.3), dbSNP rs2546907092, ClinGen allele CA345413220.
Genomic context (GRCh38, chr1:237,631,503, plus strand): 5'-AAAGTGTTTTACCAGCACCCTAATCTCATGAGGGCACTGGGGATGCACGAGACTGTGATG[G>A]AGGTCATGGTGAACGTCCTTGGAGGTGGAGAGTCCAAGGTAACGTCTTTGATTCCTGAGA-3'
Protein context (NP_001026.2, residues 2163-2183): RALGMHETVM[Glu2173Lys]VMVNVLGGGE